The following is an entry in ClinVar:

NM_001080421.3(UNC13A):c.190G>T (p.Val64Leu)

Gene: UNC13A (unc-13 homolog A; minus strand). Cytogenetic location: 19p13.11.
Variant type: single nucleotide variant.
Coding change: c.190G>T on transcript NM_001080421.3 (MANE Select); coding-DNA position 190, G replaced by T.
Protein change: p.Val64Leu; replaces valine 64 with leucine.
Molecular consequence: missense variant.
Genome position (GRCh38, 1-based): chr19:17,672,458, C>A on the plus strand (G>T on the coding strand, the complement: UNC13A is on the minus strand). VCF-style: chr19-17672458-C-A. GRCh37 (hg19) VCF-style: chr19-17783267-C-A.
Other names: c.190G>T, p.Val64Leu (NM_001387021.1, NM_001387022.1, NM_001387023.1); short protein forms V64L.
Identifiers: ClinVar variation 2632691 (VCV002632691.1), dbSNP rs755863482, ClinGen allele CA9298861.

ClinVar aggregate classification (germline): Uncertain significance (1 of 4 stars; one submission).

Conditions:
UNC13A-related disorder. Also called: UNC13A-related condition.

Allele frequency attached by ClinVar (database versions not stated): ExAC 0.00001.
gnomAD v4.1: 2 of 1,613,908 alleles (0.00012%); highest among the groups gnomAD compares: Non-Finnish European, 0.00017%; no homozygotes.

Submission:

PreventionGenetics, part of Exact Sciences
Classification: Uncertain significance for UNC13A-related condition. Last evaluated: 2023-05-24. Review status: criteria provided, single submitter. Criteria: ACMG Guidelines, 2015. Collection method: clinical testing. Allele origin: germline.
Comment: The UNC13A c.190G>T variant is predicted to result in the amino acid substitution p.Val64Leu. To our knowledge, this variant has not been reported in the literature. This variant is reported in 0.00089% of alleles in individuals of European (Non-Finnish) descent in gnomAD. At this time, the clinical significance of this variant is uncertain due to the absence of conclusive functional and genetic evidence.